The following is an entry in ClinVar:

NM_001257291.2(SLC9A7):c.824A>C (p.His275Pro)

Gene: SLC9A7 (solute carrier family 9 member A7; minus strand). Cytogenetic location: Xp11.3.
Variant type: single nucleotide variant.
Coding change: c.824A>C on transcript NM_001257291.2 (MANE Select); coding-DNA position 824, A replaced by C.
Protein change: p.His275Pro; replaces histidine 275 with proline.
Molecular consequence: missense variant.
Genome position (GRCh38, 1-based): chrX:46,662,613, T>G on the plus strand (A>C on the coding strand, the complement: SLC9A7 is on the minus strand). VCF-style: chrX-46662613-T-G. GRCh37 (hg19) VCF-style: chrX-46522048-T-G.
Other names: c.824A>C, p.His275Pro (NM_032591.3); short protein forms H275P.
Identifiers: ClinVar variation 3766305 (VCV003766305.1).

ClinVar aggregate classification (germline): Uncertain significance (1 of 4 stars; one submission).

gnomAD v4.1: 2 of 1,209,470 alleles (0.00017%); highest among the groups gnomAD compares: East Asian, 0.003%; no homozygotes.

Submission:

GeneDx
Classification: Uncertain significance. Last evaluated: 2024-08-28. Review status: criteria provided, single submitter. Criteria: GeneDx Variant Classification Process June 2021. Collection method: clinical testing. Allele origin: germline. Affected: yes.
Comment: Not observed at significant frequency in large population cohorts (gnomAD); In silico analysis supports that this missense variant has a deleterious effect on protein structure/function; Has not been previously published as pathogenic or benign to our knowledge